The following is an entry in ClinVar:

NM_001082971.2(DDC):c.1074C>A (p.Arg358=)

Gene: DDC (dopa decarboxylase; minus strand). Cytogenetic location: 7p12.2.
Variant type: single nucleotide variant.
Coding change: c.1074C>A on transcript NM_001082971.2 (MANE Select); coding-DNA position 1074, C replaced by A.
Protein change: p.Arg358=; no amino-acid change (arginine 358 retained).
Molecular consequence: synonymous variant.
Genome position (GRCh38, 1-based): chr7:50,470,139, G>T on the plus strand (C>A on the coding strand, the complement: DDC is on the minus strand). VCF-style: chr7-50470139-G-T. GRCh37 (hg19) VCF-style: chr7-50537837-G-T.
Other names: c.1074C>A, p.Arg358= (NM_000790.4); c.960C>A, p.Arg320= (NM_001242886.2); c.930C>A, p.Arg310= (NM_001242887.2); c.840C>A, p.Arg280= (NM_001242888.2); c.795C>A, p.Arg265= (NM_001242889.2); c.1074C>A (NM_000790.3).
Identifiers: ClinVar variation 2787228 (VCV002787228.4), dbSNP rs1211830661, ClinGen allele CA454931772.
Genomic context (GRCh38, chr7:50,470,139, plus strand): 5'-GATATAAGCCTGCAGTCCTTTGACTCCATACATCCTAAATACAAACCACATTTTCAAAGA[G>T]CGAAATCTTCTGCCCAGTGGTATCTGCCAATGCTGAAATGAAACATGAAACAGACCATCA-3'
Protein context (NP_001076440.2, residues 348-368): HWQIPLGRRF[Arg358=]SLKMWFVFRM

ClinVar aggregate classification (germline): Likely benign. Review status: criteria provided, single submitter (1 of 4 stars). 2 submissions from 2 submitters: Likely benign (1). 1 of the submissions does not count toward it. Last evaluated 2023-03-19.

Conditions:
Deficiency of aromatic-L-amino-acid decarboxylase. Also called: AADC DEFICIENCY; DDC DEFICIENCY; DOPA DECARBOXYLASE DEFICIENCY; Aromatic L-Amino Acid Decarboxylase Deficiency; Aromatic amino acid decarboxylase deficiency. Identifiers: Orphanet 35708, MedGen C1291564, MONDO:0012084, OMIM 608643.
DDC-related disorder. Also called: DDC-related condition.

Allele frequency attached by ClinVar (database versions not stated): gnomAD exomes below 0.00001.
gnomAD v4.1: 1 of 1,613,468 alleles (0.000062%); highest among the groups gnomAD compares: Non-Finnish European, 0.000085%; no homozygotes.

Submissions (2):

Labcorp Genetics (formerly Invitae), Labcorp
Classification: Likely benign for Deficiency of aromatic-L-amino-acid decarboxylase. Last evaluated: 2023-03-19. Review status: criteria provided, single submitter. Criteria: Invitae Variant Classification Sherloc (09022015). Collection method: clinical testing. Allele origin: germline.

PreventionGenetics, part of Exact Sciences
Classification: Likely benign for DDC-related condition. Last evaluated: 2019-07-11. Review status: no assertion criteria provided. Collection method: clinical testing. Allele origin: germline. Not counted in ClinVar's aggregate classification.
Comment: This variant is classified as likely benign based on ACMG/AMP sequence variant interpretation guidelines (Richards et al. 2015 PMID: 25741868, with internal and published modifications).